The following is an entry in ClinVar:

NM_144631.6(ZNF513):c.881G>A (p.Gly294Asp)

Gene: ZNF513 (zinc finger protein 513; minus strand). Cytogenetic location: 2p23.3.
Variant type: single nucleotide variant.
Coding change: c.881G>A on transcript NM_144631.6 (MANE Select); coding-DNA position 881, G replaced by A.
Protein change: p.Gly294Asp; replaces glycine 294 with aspartic acid.
Molecular consequence: missense variant.
Genome position (GRCh38, 1-based): chr2:27,378,290, C>T on the plus strand (G>A on the coding strand, the complement: ZNF513 is on the minus strand). VCF-style: chr2-27378290-C-T. GRCh37 (hg19) VCF-style: chr2-27601157-C-T.
Other names: c.881G>A (NM_144631.5); c.695G>A, p.Gly232Asp (NM_001201459.2); short protein forms G232D, G294D.
Identifiers: ClinVar variation 1015226 (VCV001015226.10), dbSNP rs148537371, ClinGen allele CA1577912.

ClinVar aggregate classification (germline): Uncertain significance. Review status: criteria provided, multiple submitters, no conflicts (2 of 4 stars). 3 submissions from 3 submitters: Uncertain significance (3). Last evaluated 2024-03-25.

Allele frequency attached by ClinVar (database versions not stated): TOPMed 0.00002.

Submissions (3):

Ambry Genetics
Classification: Uncertain significance. Last evaluated: 2024-03-25. Review status: criteria provided, single submitter. Criteria: Ambry Variant Classification Scheme 2023. Collection method: clinical testing. Allele origin: germline.

Labcorp Genetics (formerly Invitae), Labcorp
Classification: Uncertain significance. Last evaluated: 2024-01-16. Review status: criteria provided, single submitter. Criteria: Invitae Variant Classification Sherloc (09022015). Collection method: clinical testing. Allele origin: germline.
Comment: This sequence change replaces glycine, which is neutral and non-polar, with aspartic acid, which is acidic and polar, at codon 294 of the ZNF513 protein (p.Gly294Asp). This variant is present in population databases (rs148537371, gnomAD 0.006%). This variant has not been reported in the literature in individuals affected with ZNF513-related conditions. ClinVar contains an entry for this variant (Variation ID: 1015226). Algorithms developed to predict the effect of missense changes on protein structure and function output the following: SIFT: "Not Available"; PolyPhen-2: "Benign"; Align-GVGD: "Not Available". The aspartic acid amino acid residue is found in multiple mammalian species, which suggests that this missense change does not adversely affect protein function. In summary, the available evidence is currently insufficient to determine the role of this variant in disease. Therefore, it has been classified as a Variant of Uncertain Significance.

Blueprint Genetics
Classification: Uncertain significance. Last evaluated: 2023-05-25. Review status: criteria provided, single submitter. Criteria: ACMG Guidelines, 2015. Collection method: clinical testing. Allele origin: germline.